The following is an entry in ClinVar:

ClinVar aggregate classification (germline): Uncertain significance. Review status: criteria provided, multiple submitters, no conflicts (2 of 4 stars). 2 submissions from 2 submitters: Uncertain significance (2). Last evaluated 2025-06-19.

Conditions:
Inborn genetic diseases. Identifiers: MedGen C0950123, MeSH D030342.
Neuropathy, hereditary sensory and autonomic, type 1C. Also called: HSAN IC; HSN IC. Identifiers: Orphanet 36386, MedGen C3150896, MONDO:0013337, OMIM 613640.

Allele frequency attached by ClinVar (database versions not stated): TOPMed below 0.00001; gnomAD exomes 0.00001; ExAC 0.00002.

Submissions (2):

Ambry Genetics
Classification: Uncertain significance for Inborn genetic diseases. Last evaluated: 2025-06-19. Review status: criteria provided, single submitter. Criteria: Ambry Variant Classification Scheme 2023. Collection method: clinical testing. Allele origin: germline.

Labcorp Genetics (formerly Invitae), Labcorp
Classification: Uncertain significance for Neuropathy, hereditary sensory and autonomic, type 1C. Last evaluated: 2023-10-24. Review status: criteria provided, single submitter. Criteria: Invitae Variant Classification Sherloc (09022015). Collection method: clinical testing. Allele origin: germline.
Comment: This sequence change replaces arginine, which is basic and polar, with cysteine, which is neutral and slightly polar, at codon 541 of the SPTLC2 protein (p.Arg541Cys). This variant is present in population databases (rs746495804, gnomAD 0.006%). This missense change has been observed in individual(s) with amyotrophic lateral sclerosis (PMID: 36966328). ClinVar contains an entry for this variant (Variation ID: 1047375). An algorithm developed to predict the effect of missense changes on protein structure and function (PolyPhen-2) suggests that this variant is likely to be tolerated. In summary, the available evidence is currently insufficient to determine the role of this variant in disease. Therefore, it has been classified as a Variant of Uncertain Significance.

Literature cited by the submitters: PubMed 36966328 (cited by Labcorp Genetics (formerly Invitae), Labcorp).

NM_004863.4(SPTLC2):c.1621C>T (p.Arg541Cys)

Gene: SPTLC2 (serine palmitoyltransferase long chain base subunit 2; minus strand). Cytogenetic location: 14q24.3.
Variant type: single nucleotide variant.
Coding change: c.1621C>T on transcript NM_004863.4 (MANE Select); coding-DNA position 1621, C replaced by T.
Protein change: p.Arg541Cys; replaces arginine 541 with cysteine.
Molecular consequence: missense variant.
Genome position (GRCh38, 1-based): chr14:77,512,352, G>A on the plus strand (C>T on the coding strand, the complement: SPTLC2 is on the minus strand). VCF-style: chr14-77512352-G-A. GRCh37 (hg19) VCF-style: chr14-77978695-G-A.
Other names: c.1621C>T (NM_004863.3); short protein forms R541C.
Identifiers: ClinVar variation 1047375 (VCV001047375.10), dbSNP rs746495804, ClinGen allele CA7289114.